The following is an entry in ClinVar:

NM_001144967.3(NEDD4L):c.2330T>G (p.Ile777Arg)

Gene: NEDD4L (NEDD4 like E3 ubiquitin protein ligase; plus strand). Cytogenetic location: 18q21.31.
Variant type: single nucleotide variant.
Coding change: c.2330T>G on transcript NM_001144967.3 (MANE Select); coding-DNA position 2330, T replaced by G.
Protein change: p.Ile777Arg; replaces isoleucine 777 with arginine.
Molecular consequence: missense variant.
Genome position (GRCh38, 1-based): chr18:58,373,247, T>G. VCF-style: chr18-58373247-T-G. GRCh37 (hg19) VCF-style: chr18-56040479-T-G.
Other names: c.1967T>G, p.Ile656Arg (NM_001144964.1, NM_001144965.2, NM_001144966.3); c.2306T>G, p.Ile769Arg (NM_001144968.2); c.2246T>G, p.Ile749Arg (NM_001144969.2); c.1907T>G, p.Ile636Arg (NM_001144970.3, NM_001144971.2); c.2138T>G, p.Ile713Arg (NM_001243960.2); c.2270T>G, p.Ile757Arg (NM_015277.6); short protein forms I656R, I713R, I777R, I757R, I636R, I749R, I769R.
Identifiers: ClinVar variation 843058 (VCV000843058.9), dbSNP rs2047126755, ClinGen allele CA402553048.

ClinVar aggregate classification (germline): Uncertain significance (1 of 4 stars; one submission).

Submission:

Labcorp Genetics (formerly Invitae), Labcorp
Classification: Uncertain significance. Last evaluated: 2024-01-02. Review status: criteria provided, single submitter. Criteria: Invitae Variant Classification Sherloc (09022015). Collection method: clinical testing. Allele origin: germline.
Comment: This sequence change replaces isoleucine, which is neutral and non-polar, with arginine, which is basic and polar, at codon 757 of the NEDD4L protein (p.Ile757Arg). This variant is not present in population databases (gnomAD no frequency). This variant has not been reported in the literature in individuals affected with NEDD4L-related conditions. ClinVar contains an entry for this variant (Variation ID: 843058). Advanced modeling of protein sequence and biophysical properties (such as structural, functional, and spatial information, amino acid conservation, physicochemical variation, residue mobility, and thermodynamic stability) performed at Invitae indicates that this missense variant is not expected to disrupt NEDD4L protein function with a negative predictive value of 80%. In summary, the available evidence is currently insufficient to determine the role of this variant in disease. Therefore, it has been classified as a Variant of Uncertain Significance.